The following is an entry in ClinVar:

ClinVar aggregate classification (germline): Pathogenic (1 of 4 stars; one submission).

Conditions:
Pulmonary fibrosis and/or bone marrow failure, Telomere-related, 4. Also called: PULMONARY FIBROSIS AND/OR BONE MARROW FAILURE SYNDROME, TELOMERE-RELATED, 4. Identifiers: Orphanet 2032, MedGen C4225347, MONDO:0014612, OMIM 616371.

Submission:

Johns Hopkins Genomics, Johns Hopkins University
Classification: Pathogenic for Pulmonary fibrosis and/or bone marrow failure, Telomere-related, 4. Last evaluated: 2024-05-22. Review status: criteria provided, single submitter. Criteria: ACMG Guidelines, 2015. Collection method: clinical testing. Allele origin: germline.
Comment: This PARN variant is absent from a large population dataset and has not been reported in ClinVar, nor the literature to our knowledge. This frameshift variant results in a premature stop codon in exon 6 of 24, likely leading to nonsense-mediated decay and lack of protein production. We consider c.285del in PARN to be pathogenic.

NM_002582.4(PARN):c.285del (p.Lys95fs)

Gene: PARN (poly(A)-specific ribonuclease; minus strand). Cytogenetic location: 16p13.12.
Variant type: Deletion.
Coding change: c.285del on transcript NM_002582.4 (MANE Select); coding-DNA position 285, one base deleted (A; older notation c.285delA).
Protein change: p.Lys95fs; shifts the reading frame from lysine 95.
Molecular consequence: frameshift variant. On other transcripts: intron variant (1).
Genome position (GRCh38, 1-based): chr16:14,627,148, T deleted on the plus strand (A on the coding strand, the reverse complement: PARN is on the minus strand); the first of 3 consecutive T bases (chr16:14,627,148-14,627,150); deleting any one gives the same sequence. VCF-style (leftmost placement, unchanged base first): chr16-14627147-GT-G. GRCh37 (hg19) VCF-style: chr16-14721004-GT-G.
Other names: c.102del, p.Lys34fs (NM_001134477.3); c.159-12del (NM_001242992.2); short protein forms K34fs, K95fs.
Identifiers: ClinVar variation 4280055 (VCV004280055.1).